The following is an entry in ClinVar:

ClinVar aggregate classification (germline): Pathogenic (1 of 4 stars; one submission).

Allele frequency attached by ClinVar (database versions not stated): gnomAD exomes below 0.00001; TOPMed below 0.00001.
gnomAD v4.1: 1 of 1,612,966 alleles (0.000062%); highest among the groups gnomAD compares: Admixed American, 0.0017%; no homozygotes.

Submission:

Labcorp Genetics (formerly Invitae), Labcorp
Classification: Pathogenic. Last evaluated: 2025-03-01. Review status: criteria provided, single submitter. Criteria: Invitae Variant Classification Sherloc (09022015). Collection method: clinical testing. Allele origin: germline.
Comment: This sequence change creates a premature translational stop signal (p.Gln243*) in the TSFM gene. While this is not anticipated to result in nonsense mediated decay, it is expected to disrupt the last 104 amino acid(s) of the TSFM protein. The frequency data for this variant in the population databases is considered unreliable, as metrics indicate poor data quality at this position in the gnomAD database. This variant has not been reported in the literature in individuals affected with TSFM-related conditions. ClinVar contains an entry for this variant (Variation ID: 2124572). This variant disrupts a region of the TSFM protein in which other variant(s) (p.Arg333Trp) have been determined to be pathogenic (PMID: 17033963, 21741925, 22277967). This suggests that this is a clinically significant region of the protein, and that variants that disrupt it are likely to be disease-causing. For these reasons, this variant has been classified as Pathogenic.

Literature cited by the submitters: PubMed 17033963; PubMed 21741925; PubMed 22277967.

NM_005726.6(TSFM):c.664C>T (p.Gln222Ter)

Gene: TSFM (Ts translation elongation factor, mitochondrial; plus strand). Cytogenetic location: 12q14.1.
Variant type: single nucleotide variant.
Coding change: c.664C>T on transcript NM_005726.6 (MANE Select); coding-DNA position 664, C replaced by T.
Protein change: p.Gln222Ter; replaces glutamine 222 with a stop codon.
Molecular consequence: nonsense. On other transcripts: 3 prime UTR variant (1), intron variant (1).
Genome position (GRCh38, 1-based): chr12:57,796,269, C>T. VCF-style: chr12-57796269-C-T. GRCh37 (hg19) VCF-style: chr12-58190052-C-T.
Other names: c.*72C>T (NM_001172695.2); c.727C>T, p.Gln243Ter (NM_001172696.2); c.571+3196C>T (NM_001172697.2); short protein forms Q222*, Q243*.
Identifiers: ClinVar variation 2124572 (VCV002124572.4), dbSNP rs774375880, ClinGen allele CA385530343.
Genomic context (GRCh38, chr12:57,796,269, plus strand): 5'-GCTGCATGGGTGAAGGTGCCATCTGGGTTCTACGTTGGCTCTTATGTCCACGGAGCAATG[C>T]AGAGTCCCTCACTTCACAAGCTGGTGCTGGGGAAGTATGGGGCCCTGGTCATCTGTGAGA-3'